The following is an entry in ClinVar:

NM_003482.4(KMT2D):c.10899_10913del (p.Gln3634_Gly3638del)

Gene: KMT2D (lysine methyltransferase 2D; minus strand). Cytogenetic location: 12q13.12.
Variant type: Deletion.
Coding change: c.10899_10913del on transcript NM_003482.4 (MANE Select); coding-DNA positions 10899 to 10913, 15 bases deleted (TCAGCTGCTCCCTGG).
Protein change: p.Gln3634_Gly3638del.
Molecular consequence: inframe indel (on NM_003482.3).
Genome position (GRCh38, 1-based): chr12:49,033,792-49,033,806, CCAGGGAGCAGCTGA deleted on the plus strand (TCAGCTGCTCCCTGG on the coding strand, the reverse complement: KMT2D is on the minus strand); deleting any 15 consecutive bases within chr12:49,033,792-49,033,815 gives the same sequence; the c. name uses the placement nearest the transcript's 3' end. VCF-style (leftmost placement, unchanged base first): chr12-49033791-GCCAGGGAGCAGCTGA-G. GRCh37 (hg19) VCF-style: chr12-49427574-GCCAGGGAGCAGCTGA-G.
Other names: c.10899_10913del15 (NM_003482.3).
Identifiers: ClinVar variation 3030974 (VCV003030974.2), dbSNP rs2498366037, ClinGen allele CA2618608151.

ClinVar aggregate classification (germline): Uncertain significance (0 of 4 stars; one submission).

Conditions:
KMT2D-related disorder. Also called: KMT2D-Related Disorders.

Submission:

PreventionGenetics, part of Exact Sciences
Classification: Uncertain significance for KMT2D-related condition. Last evaluated: 2023-12-07. Review status: no assertion criteria provided. Collection method: clinical testing. Allele origin: germline.
Comment: The KMT2D c.10899_10913del15 variant is predicted to result in an in-frame deletion (p.Gln3634_Gly3638del). To our knowledge, this variant has not been reported in the literature or in a large population database, indicating this variant is rare. At this time, the clinical significance of this variant is uncertain due to the absence of conclusive functional and genetic evidence.